The following is an entry in ClinVar:

NM_016507.4(CDK12):c.1022C>T (p.Ser341Phe)

Genes: CDK12 (cyclin dependent kinase 12; plus strand), LOC126862553 (CDK7 strongly-dependent group 2 enhancer GRCh37_chr17:37618166-37619365; plus strand). Cytogenetic location: 17q12.
Variant type: single nucleotide variant.
Coding change: c.1022C>T on transcript NM_016507.4 (MANE Select); coding-DNA position 1022, C replaced by T.
Protein change: p.Ser341Phe; replaces serine 341 with phenylalanine.
Molecular consequence: missense variant.
Genome position (GRCh38, 1-based): chr17:39,463,093, C>T. VCF-style: chr17-39463093-C-T. GRCh37 (hg19) VCF-style: chr17-37619346-C-T.
Other names: c.1022C>T, p.Ser341Phe (NM_015083.4); short protein forms S341F.
Identifiers: ClinVar variation 3489301 (VCV003489301.1).

ClinVar aggregate classification (germline): Uncertain significance (1 of 4 stars; one submission).

gnomAD v4.1: 4 of 1,614,098 alleles (0.00025%); highest among the groups gnomAD compares: Middle Eastern, 0.066%; no homozygotes.

Submission:

Ambry Genetics
Classification: Uncertain significance. Last evaluated: 2024-11-26. Review status: criteria provided, single submitter. Criteria: Ambry Variant Classification Scheme 2023. Collection method: clinical testing. Allele origin: germline.
Comment: The p.S341F variant (also known as c.1022C>T), located in coding exon 1 of the CDK12 gene, results from a C to T substitution at nucleotide position 1022. The serine at codon 341 is replaced by phenylalanine, an amino acid with highly dissimilar properties. This amino acid position is conserved. In addition, the in silico prediction for this alteration is inconclusive. Based on the available evidence, the clinical significance of this variant remains unclear.